The following is an entry in ClinVar:

NM_002941.4(ROBO1):c.2333C>T (p.Pro778Leu)

Gene: ROBO1 (roundabout guidance receptor 1; minus strand). Cytogenetic location: 3p12.3.
Variant type: single nucleotide variant.
Coding change: c.2333C>T on transcript NM_002941.4 (MANE Select); coding-DNA position 2333, C replaced by T.
Protein change: p.Pro778Leu; replaces proline 778 with leucine.
Molecular consequence: missense variant.
Genome position (GRCh38, 1-based): chr3:78,659,795, G>A on the plus strand (C>T on the coding strand, the complement: ROBO1 is on the minus strand). VCF-style: chr3-78659795-G-A. GRCh37 (hg19) VCF-style: chr3-78708945-G-A.
Other names: c.2225C>T, p.Pro742Leu (NM_001145845.2, NM_133631.4); short protein forms P742L, P778L.
Identifiers: ClinVar variation 4086681 (VCV004086681.1).

ClinVar aggregate classification (germline): Uncertain significance (1 of 4 stars; one submission).

gnomAD v4.1: 3 of 1,604,156 alleles (0.00019%); highest among the groups gnomAD compares: Non-Finnish European, 0.00026%; no homozygotes.

Submission:

GeneDx
Classification: Uncertain significance. Last evaluated: 2025-03-22. Review status: criteria provided, single submitter. Criteria: GeneDx Variant Classification Process June 2021. Collection method: clinical testing. Allele origin: germline. Affected: yes.
Comment: Not observed at significant frequency in large population cohorts (gnomAD); In silico analysis supports that this missense variant has a deleterious effect on protein structure/function; Has not been previously published as pathogenic or benign to our knowledge